The following is an entry in ClinVar:

NM_152564.5(VPS13B):c.7919G>A (p.Trp2640Ter)

Gene: VPS13B (vacuolar protein sorting 13 homolog B; plus strand). Cytogenetic location: 8q22.2.
Variant type: single nucleotide variant.
Coding change: c.7919G>A on transcript NM_152564.5 (MANE Select); coding-DNA position 7919, G replaced by A.
Protein change: p.Trp2640Ter; replaces tryptophan 2640 with a stop codon.
Molecular consequence: nonsense.
Genome position (GRCh38, 1-based): chr8:99,784,454, G>A. VCF-style: chr8-99784454-G-A. GRCh37 (hg19) VCF-style: chr8-100796682-G-A.
Other names: c.7994G>A, p.Trp2665Ter (NM_017890.5); short protein forms W2640*, W2665*.
Identifiers: ClinVar variation 1357767 (VCV001357767.8), dbSNP rs2130702734, ClinGen allele CA371766718.

ClinVar aggregate classification (germline): Pathogenic. Review status: criteria provided, multiple submitters, no conflicts (2 of 4 stars). 3 submissions from 3 submitters: Pathogenic (3). Last evaluated 2024-05-08.

Conditions:
Cohen syndrome (COH1). Also called: Cutis verticis gyrata, retinitis pigmentosa, and sensorineural deafness; PEPPER SYNDROME. Identifiers: Orphanet 193, MedGen C0265223, MONDO:0008999, OMIM 216550.

Submissions (3):

Myriad Genetics, Inc.
Classification: Pathogenic for Cohen syndrome. Last evaluated: 2024-05-08. Review status: criteria provided, single submitter. Criteria: Myriad Autosomal Dominant, Autosomal Recessive and X-Linked Classification Criteria (2023). Collection method: clinical testing. Allele origin: unknown.
Comment: NM_017890.4(VPS13B):c.7994G>A(W2665*) is expected to be pathogenic in the context of Cohen syndrome. This variant is predicted to lead to an abnormal or absent protein product due to the creation of a premature termination codon in VPS13B, a gene where loss-of-function variants are known to be pathogenic. Please note: this variant was assessed in the context of healthy population screening.

Labcorp Genetics (formerly Invitae), Labcorp
Classification: Pathogenic for Cohen syndrome. Last evaluated: 2023-08-14. Review status: criteria provided, single submitter. Criteria: Invitae Variant Classification Sherloc (09022015). Collection method: clinical testing. Allele origin: germline.
Comment: This sequence change creates a premature translational stop signal (p.Trp2665*) in the VPS13B gene. It is expected to result in an absent or disrupted protein product. Loss-of-function variants in VPS13B are known to be pathogenic (PMID: 15141358, 16648375, 20461111). This variant is not present in population databases (gnomAD no frequency). This variant has not been reported in the literature in individuals affected with VPS13B-related conditions. ClinVar contains an entry for this variant (Variation ID: 1357767). Algorithms developed to predict the effect of sequence changes on RNA splicing suggest that this variant may disrupt the consensus splice site. For these reasons, this variant has been classified as Pathogenic.

Victorian Clinical Genetics Services, Murdoch Childrens Research Institute
Classification: Pathogenic for Cohen syndrome. Last evaluated: 2022-02-02. Review status: criteria provided, single submitter. Criteria: ACMG Guidelines, 2015. Collection method: clinical testing. Allele origin: germline. Inheritance: Autosomal recessive inheritance. Affected: yes.
Comment: Based on the classification scheme VCGS_Germline_v1.3.4, this variant is classified as Pathogenic. Following criteria are met: 0102 - Loss of function is a known mechanism of disease in this gene and is associated with Cohen syndrome (MIM#216550). (I) 0106 - This gene is associated with autosomal recessive disease. (I) 0201 - Variant is predicted to cause nonsense-mediated decay (NMD) and loss of protein (premature termination codon is located at least 54 nucleotides upstream of the final exon-exon junction). (SP) 0251 - This variant is heterozygous. (I) 0301 - Variant is absent from gnomAD (both v2 and v3). (SP) 0701 - Other NMD-predicted variants comparable to the one identified in this case have very strong previous evidence for pathogenicity (ClinVar). (SP) 0807 - This variant has no previous evidence of pathogenicity. (I) 0905 - No published segregation evidence has been identified for this variant. (I) 1007 - No published functional evidence has been identified for this variant. (I) 1102 - Strong phenotype match for this individual. (I) Legend: (SP) - Supporting pathogenic, (I) - Information, (SB) - Supporting benign

Literature cited by the submitters: PubMed 15141358 (cited by Labcorp Genetics (formerly Invitae), Labcorp); PubMed 16648375 (cited by Labcorp Genetics (formerly Invitae), Labcorp); PubMed 20461111 (cited by Labcorp Genetics (formerly Invitae), Labcorp).